The following is an entry in ClinVar:

NM_173598.6(KSR2):c.1730-13CT[3]

Gene: KSR2 (kinase suppressor of ras 2; minus strand). Cytogenetic location: 12q24.22.
Variant type: Microsatellite.
Coding change: c.1730-13CT[3] on transcript NM_173598.6 (MANE Select); three copies in a row of the 2-base unit CT starting at c.1730-13; the reference has two copies in a row; one copy, 2 bases duplicated.
Molecular consequence: intron variant.
Genome position (GRCh38, 1-based): chr12:117,531,023-117,531,024, AG duplicated on the plus strand (CT on the coding strand, the reverse complement: KSR2 is on the minus strand); duplicating any 2 consecutive bases within chr12:117,531,023-117,531,027 gives the same sequence; the position shown is the placement nearest the transcript's 3' end. VCF-style (leftmost placement, unchanged base first): chr12-117531022-C-CAG. GRCh37 (hg19) VCF-style: chr12-117968827-C-CAG.
Identifiers: ClinVar variation 3349513 (VCV003349513.1).

ClinVar aggregate classification (germline): Likely benign (0 of 4 stars; one submission).

Conditions:
KSR2-related disorder. Also called: KSR2-related condition.

Submission:

PreventionGenetics, part of Exact Sciences
Classification: Likely benign for KSR2-related condition. Last evaluated: 2023-11-29. Review status: no assertion criteria provided. Collection method: clinical testing. Allele origin: germline.
Comment: This variant is classified as likely benign based on ACMG/AMP sequence variant interpretation guidelines (Richards et al. 2015 PMID: 25741868, with internal and published modifications).